The following is an entry in ClinVar:

ClinVar aggregate classification (germline): Likely benign (1 of 4 stars; one submission).

Submission:

CeGaT Center for Human Genetics Tuebingen
Classification: Likely benign. Last evaluated: 2022-11-01. Review status: criteria provided, single submitter. Criteria: CeGaT Center For Human Genetics Tuebingen Variant Classification Criteria Version 2. Collection method: clinical testing. Allele origin: germline. Affected: yes. Observed: 1 variant allele.
Comment: MARCHF2: PM2:Supporting, BP4, BP7

NM_001005415.2(MARCHF2):c.654C>T (p.Ile218=)

Gene: MARCHF2 (membrane associated ring-CH-type finger 2; plus strand). Cytogenetic location: 19p13.2.
Variant type: single nucleotide variant.
Coding change: c.654C>T on transcript NM_001005415.2 (MANE Select); coding-DNA position 654, C replaced by T.
Protein change: p.Ile218=; no amino-acid change (isoleucine 218 retained).
Molecular consequence: synonymous variant. On other transcripts: non-coding transcript variant (1).
Genome position (GRCh38, 1-based): chr19:8,438,459, C>T. VCF-style: chr19-8438459-C-T. GRCh37 (hg19) VCF-style: chr19-8503343-C-T.
Other names: c.444C>T, p.Ile148= (NM_001005416.2); c.654C>T, p.Ile218= (NM_001369776.1, NM_001369777.1, NM_001369778.1 and 2 more transcripts).
Identifiers: ClinVar variation 2649199 (VCV002649199.24), dbSNP rs778056147, ClinGen allele CA505271073.
Genomic context (GRCh38, chr19:8,438,459, plus strand): 5'-CTACCACTGCCAGCTGTACTCCGAGTGGAGAAAGACCAACCAGAAAGTTCGCCTGAAGAT[C>T]CGGGAGGCGGACAGCCCCGAGGGCCCCCAGCATTCTCCACTGGCAGCTGGACTCCTGAAG-3'
Protein context (NP_001005415.1, residues 208-228): RKTNQKVRLK[Ile218=]READSPEGPQ